The following is an entry in ClinVar:

NM_138459.5(NUS1):c.861T>A (p.Cys287Ter)

Gene: NUS1 (NUS1 dehydrodolichyl diphosphate synthase subunit; plus strand). Cytogenetic location: 6q22.1.
Variant type: single nucleotide variant.
Coding change: c.861T>A on transcript NM_138459.5 (MANE Select); coding-DNA position 861, T replaced by A.
Protein change: p.Cys287Ter; replaces cysteine 287 with a stop codon.
Molecular consequence: nonsense.
Genome position (GRCh38, 1-based): chr6:117,706,994, T>A. VCF-style: chr6-117706994-T-A. GRCh37 (hg19) VCF-style: chr6-118028157-T-A.
Other names: short protein forms C287*.
Identifiers: ClinVar variation 3382529 (VCV003382529.2).

ClinVar aggregate classification (germline): Likely pathogenic (1 of 4 stars; one submission).

Conditions:
Intellectual developmental disorder, autosomal dominant 55, with seizures. Also called: MENTAL RETARDATION, AUTOSOMAL DOMINANT 55, WITH SEIZURES; Intellectual disability, autosomal dominant 55, with seizures. Identifiers: MedGen C4693371, MONDO:0030921, OMIM 617831.

Submission:

Juno Genomics, Hangzhou Juno Genomics, Inc
Classification: Likely pathogenic for Intellectual developmental disorder, autosomal dominant 55, with seizures. Review status: criteria provided, single submitter. Criteria: ACMG Guidelines, 2015. Collection method: clinical testing. Allele origin: germline. Affected: yes.
Comment: Null variant in a gene where loss of function (LOF) is a known mechanism of disease.;Absent from controls (or at extremely low frequency if recessive) in Genome Aggregation Database, Exome Sequencing Project, 1000 Genomes Project, or Exome Aggregation Consortium.;De novo (both maternity and paternity confirmed) in a patient with the disease and no family history.;Patient's phenotype or family history is highly specific for a disease with a single genetic etiology.